The following is an entry in ClinVar:

NM_016038.4(SBDS):c.59T>C (p.Met20Thr)

Gene: SBDS (SBDS ribosome maturation factor; minus strand). Cytogenetic location: 7q11.21.
Variant type: single nucleotide variant.
Coding change: c.59T>C on transcript NM_016038.4 (MANE Select); coding-DNA position 59, T replaced by C.
Protein change: p.Met20Thr; replaces methionine 20 with threonine.
Molecular consequence: missense variant.
Genome position (GRCh38, 1-based): chr7:66,995,359, A>G on the plus strand (T>C on the coding strand, the complement: SBDS is on the minus strand). VCF-style: chr7-66995359-A-G. GRCh37 (hg19) VCF-style: chr7-66460346-A-G.
Other names: short protein forms M20T.
Identifiers: ClinVar variation 3950343 (VCV003950343.1).
Genomic context (GRCh38, chr7:66,995,359, plus strand): 5'-CGCCAGCCGACGACCTTGTTTTTGTAGCAGGCGATTTCGAAGCGCTTCCCGGCACGCTTC[A>G]TCCGTACCACGGCCACATTGGTTAGGCGGATCTGGTTGGTGGGGGTGAAGATCGACATCG-3'
Protein context (NP_057122.2, residues 10-30): IRLTNVAVVR[Met20Thr]KRAGKRFEIA

ClinVar aggregate classification (germline): Uncertain significance (1 of 4 stars; one submission).

Conditions:
Inborn genetic diseases. Identifiers: MedGen C0950123, MeSH D030342.

Submission:

Ambry Genetics
Classification: Uncertain significance for Inborn genetic diseases. Last evaluated: 2025-06-13. Review status: criteria provided, single submitter. Criteria: Ambry Variant Classification Scheme 2023. Collection method: clinical testing. Allele origin: germline.
Comment: The p.M20T variant (also known as c.59T>C), located in coding exon 1 of the SBDS gene, results from a T to C substitution at nucleotide position 59. The methionine at codon 20 is replaced by threonine, an amino acid with similar properties. This amino acid position is conserved. In addition, the in silico prediction for this alteration is inconclusive. Based on the available evidence, the clinical significance of this variant remains unclear.